The following is an entry in ClinVar:

ClinVar aggregate classification (germline): Uncertain significance (1 of 4 stars; one submission).

Submission:

GeneDx
Classification: Uncertain significance. Last evaluated: 2025-06-18. Review status: criteria provided, single submitter. Criteria: GeneDx Variant Classification Process June 2021. Collection method: clinical testing. Allele origin: germline. Affected: yes.
Comment: Not observed at significant frequency in large population cohorts (gnomAD); Has not been previously published as pathogenic or benign to our knowledge; Frameshift variant predicted to result in abnormal protein length as the last 15 amino acid(s) are replaced with 42 different amino acid(s) with an unclear effect on protein function

NM_004481.5(GALNT2):c.1670del (p.Pro557fs)

Gene: GALNT2 (polypeptide N-acetylgalactosaminyltransferase 2; plus strand). Cytogenetic location: 1q42.13.
Variant type: Deletion.
Coding change: c.1670del on transcript NM_004481.5 (MANE Select); coding-DNA position 1670, one base deleted (C; older notation c.1670delC).
Protein change: p.Pro557fs; shifts the reading frame from proline 557.
Molecular consequence: frameshift variant.
Genome position (GRCh38, 1-based): chr1:230,279,412, C deleted; the last of 3 consecutive C bases (chr1:230,279,410-230,279,412); deleting any one gives the same sequence. VCF-style (leftmost placement, unchanged base first): chr1-230279409-GC-G. GRCh37 (hg19) VCF-style: chr1-230415155-GC-G.
Other names: c.1556del, p.Pro519fs (NM_001291866.2); short protein forms P519fs, P557fs.
Identifiers: ClinVar variation 4540066 (VCV004540066.1).